The following is an entry in ClinVar:

NM_000163.5(GHR):c.945+6T>C

Gene: GHR (growth hormone receptor; plus strand). Cytogenetic location: 5p12.
Variant type: single nucleotide variant.
Coding change: c.945+6T>C on transcript NM_000163.5 (MANE Select); 6 bases into the intron after coding-DNA position 945, T replaced by C.
Molecular consequence: intron variant.
Genome position (GRCh38, 1-based): chr5:42,718,127, T>C. VCF-style: chr5-42718127-T-C. GRCh37 (hg19) VCF-style: chr5-42718229-T-C.
Other names: c.879+6T>C (NM_001242460.2); c.945+6T>C (NM_001242400.2, NM_001242401.4, NM_001242402.2 and 4 more transcripts); c.966+6T>C (NM_001242399.2); c.876-326T>C (NM_001242462.1).
Identifiers: ClinVar variation 4748173 (VCV004748173.1).

ClinVar aggregate classification (germline): Uncertain significance (1 of 4 stars; one submission).

Submission:

Labcorp Genetics (formerly Invitae), Labcorp
Classification: Uncertain significance. Last evaluated: 2025-09-09. Review status: criteria provided, single submitter. Criteria: Invitae Variant Classification Sherloc (09022015). Collection method: clinical testing. Allele origin: germline.
Comment: This sequence change falls in intron 9 of the GHR gene. It does not directly change the encoded amino acid sequence of the GHR protein. It affects a nucleotide within the consensus splice site. This variant is present in population databases (no rsID available, gnomAD 0.003%). This variant has not been reported in the literature in individuals affected with GHR-related conditions. Variants that disrupt the consensus splice site are a relatively common cause of aberrant splicing (PMID: 17576681, 9536098). Algorithms developed to predict the effect of sequence changes on RNA splicing suggest that this variant is not likely to affect RNA splicing. In summary, the available evidence is currently insufficient to determine the role of this variant in disease. Therefore, it has been classified as a Variant of Uncertain Significance.

Literature cited by the submitters: PubMed 17576681; PubMed 9536098.